The following is an entry in ClinVar:

NM_024649.5(BBS1):c.1696-14_1697del

Genes: BBS1 (Bardet-Biedl syndrome 1; plus strand), ZDHHC24 (zDHHC palmitoyltransferase 24; minus strand). Cytogenetic location: 11q13.2.
Variant type: Deletion.
Coding change: c.1696-14_1697del on transcript NM_024649.5 (MANE Select); 14 bases into the intron before coding-DNA position 1696 through coding-DNA position 1697, 16 bases deleted (CCACTCCTCCATAGGT).
Molecular consequence: splice acceptor variant. On other transcripts: intron variant (1).
Genome position (GRCh38, 1-based): chr11:66,531,937-66,531,952, CCACTCCTCCATAGGT deleted. VCF-style (leftmost placement, unchanged base first): chr11-66531936-GCCACTCCTCCATAGGT-G. GRCh37 (hg19) VCF-style: chr11-66299407-GCCACTCCTCCATAGGT-G.
Other names: c.560-2464_560-2449del (NM_001348571.2).
Identifiers: ClinVar variation 3901018 (VCV003901018.1).

ClinVar aggregate classification (germline): Likely pathogenic (1 of 4 stars; one submission).

Conditions:
Bardet-Biedl syndrome 1 (BBS1). Identifiers: MedGen C2936862, MONDO:0008854, OMIM 209900. Disease mechanism: loss of function.

Submission:

Laboratorio de Genetica e Diagnostico Molecular, Hospital Israelita Albert Einstein
Classification: Likely pathogenic for Bardet-Biedl syndrome 1. Last evaluated: 2025-01-10. Review status: criteria provided, single submitter. Criteria: ACMG Guidelines, 2015. Collection method: clinical testing. Allele origin: germline. Affected: yes.
Comment: ACMG classification criteria: PVS1 strong, PM2 supporting, PM3 supporting